The following is an entry in ClinVar:

NM_022841.7(RFX7):c.527A>G (p.Tyr176Cys)

Gene: RFX7 (regulatory factor X7; minus strand). Cytogenetic location: 15q21.3.
Variant type: single nucleotide variant.
Coding change: c.527A>G on transcript NM_022841.7 (MANE Select); coding-DNA position 527, A replaced by G.
Protein change: p.Tyr176Cys; replaces tyrosine 176 with cysteine.
Molecular consequence: missense variant.
Genome position (GRCh38, 1-based): chr15:56,102,245, T>C on the plus strand (A>G on the coding strand, the complement: RFX7 is on the minus strand). VCF-style: chr15-56102245-T-C. GRCh37 (hg19) VCF-style: chr15-56394443-T-C.
Other names: c.236A>G, p.Tyr79Cys (NM_001368073.2, NM_001368074.1, NM_001370554.1); c.527A>G, p.Tyr176Cys (NM_001370561.1); short protein forms Y176C, Y79C.
Identifiers: ClinVar variation 4527296 (VCV004527296.1).

ClinVar aggregate classification (germline): Uncertain significance (1 of 4 stars; one submission).

Submission:

GeneDx
Classification: Uncertain significance. Last evaluated: 2025-04-23. Review status: criteria provided, single submitter. Criteria: GeneDx Variant Classification Process June 2021. Collection method: clinical testing. Allele origin: germline. Affected: yes.
Comment: Not observed at significant frequency in large population cohorts (gnomAD); In silico analysis supports that this missense variant has a deleterious effect on protein structure/function; Has not been previously published as pathogenic or benign to our knowledge